The following is an entry in ClinVar:

NM_001190274.2(FBXO11):c.2653A>G (p.Arg885Gly)

Genes: FBXO11 (F-box protein 11; minus strand), MSH6 (mutS homolog 6; plus strand). Cytogenetic location: 2p16.3.
Variant type: single nucleotide variant.
Coding change: c.2653A>G on transcript NM_001190274.2 (MANE Select); coding-DNA position 2653, A replaced by G.
Protein change: p.Arg885Gly; replaces arginine 885 with glycine.
Molecular consequence: missense variant.
Genome position (GRCh38, 1-based): chr2:47,808,330, T>C on the plus strand (A>G on the coding strand, the complement: FBXO11 is on the minus strand). VCF-style: chr2-47808330-T-C. GRCh37 (hg19) VCF-style: chr2-48035469-T-C.
Other names: c.2401A>G, p.Arg801Gly (NM_001374325.1, NM_025133.4); short protein forms R801G, R885G.
Identifiers: ClinVar variation 977090 (VCV000977090.1), dbSNP rs1670369842, ClinGen allele CA346762097.

ClinVar aggregate classification (germline): Uncertain significance (1 of 4 stars; one submission).

Conditions:
Intellectual developmental disorder with dysmorphic facies and behavioral abnormalities. Identifiers: MedGen C4748135, MONDO:0060760, OMIM 618089.

Submission:

Johns Hopkins Genomics, Johns Hopkins University
Classification: Uncertain significance for Intellectual developmental disorder with dysmorphic facies and behavioral abnormalities. Last evaluated: 2020-06-08. Review status: criteria provided, single submitter. Criteria: ACMG Guidelines, 2015. Collection method: clinical testing. Allele origin: germline.
Comment: FBXO11 c.2401A>G has not been reported in ClinVar nor the literature to our knowledge. It is absent from a large population database. This variant affects a residue in the FBXO11 zinc finger-UBR domain, a domain where other disease-associated missense variants are located. Two bioinformatic tools queried predict that p.Arg801Gly would not be tolerated and the argine residue at this position is evolutionarily conserved across all species assessed. We consider the clinical significance of c.2401A>G to be uncertain at this time.

Literature cited by the submitters: PubMed 30057029; PubMed 30679813.